The following is an entry in ClinVar:

NM_005359.6(SMAD4):c.118A>G (p.Ile40Val)

Gene: SMAD4 (SMAD family member 4; plus strand). Cytogenetic location: 18q21.2.
Variant type: single nucleotide variant.
Coding change: c.118A>G on transcript NM_005359.6 (MANE Select); coding-DNA position 118, A replaced by G.
Protein change: p.Ile40Val; replaces isoleucine 40 with valine.
Molecular consequence: missense variant.
Genome position (GRCh38, 1-based): chr18:51,047,164, A>G. VCF-style: chr18-51047164-A-G. GRCh37 (hg19) VCF-style: chr18-48573534-A-G.
Other names: short protein forms I40V.
Identifiers: ClinVar variation 240142 (VCV000240142.13), dbSNP rs878854764, ClinGen allele CA10583700.
Genomic context (GRCh38, chr18:51,047,164, plus strand): 5'-GTGCATAGTTTGATGTGCCATAGACAAGGTGGAGAGAGTGAAACATTTGCAAAAAGAGCA[A>G]TTGAAAGTTTGGTAAAGAAGCTGAAGGAGAAAAAAGATGAATTGGATTCTTTAATAACAG-3'
Protein context (NP_005350.1, residues 30-50): GESETFAKRA[Ile40Val]ESLVKKLKEK

ClinVar aggregate classification (germline): Uncertain significance. Review status: criteria provided, multiple submitters, no conflicts (2 of 4 stars). 2 submissions from 2 submitters: Uncertain significance (2). Last evaluated 2024-10-07.

Conditions:
Familial thoracic aortic aneurysm and aortic dissection (TAAD). Also called: Thoracic aortic aneurysms and dissections. Identifiers: Orphanet 91387, MedGen C4707243, MONDO:0019625.
Hereditary cancer-predisposing syndrome. Also called: Neoplastic Syndromes, Hereditary; Tumor predisposition; Hereditary neoplastic syndrome; Hereditary Cancer Syndrome. Identifiers: Orphanet 140162, MedGen C0027672, MeSH D009386, MONDO:0015356.
Juvenile polyposis syndrome (JPS). Identifiers: Orphanet 2929, MedGen C0345893, MONDO:0017380, OMIM 174900.

Submissions (2):

Labcorp Genetics (formerly Invitae), Labcorp
Classification: Uncertain significance for Juvenile polyposis syndrome. Last evaluated: 2024-10-07. Review status: criteria provided, single submitter. Criteria: Invitae Variant Classification Sherloc (09022015). Collection method: clinical testing. Allele origin: germline.
Comment: This sequence change replaces isoleucine, which is neutral and non-polar, with valine, which is neutral and non-polar, at codon 40 of the SMAD4 protein (p.Ile40Val). This variant is not present in population databases (gnomAD no frequency). This variant has not been reported in the literature in individuals affected with SMAD4-related conditions. ClinVar contains an entry for this variant (Variation ID: 240142). Invitae Evidence Modeling of protein sequence and biophysical properties (such as structural, functional, and spatial information, amino acid conservation, physicochemical variation, residue mobility, and thermodynamic stability) has been performed for this missense variant. However, the output from this modeling did not meet the statistical confidence thresholds required to predict the impact of this variant on SMAD4 protein function. In summary, the available evidence is currently insufficient to determine the role of this variant in disease. Therefore, it has been classified as a Variant of Uncertain Significance.

Ambry Genetics
Classification: Uncertain significance for Hereditary cancer-predisposing syndrome; Familial thoracic aortic aneurysm and aortic dissection. Last evaluated: 2024-09-02. Review status: criteria provided, single submitter. Criteria: Ambry Variant Classification Scheme 2023. Collection method: clinical testing. Allele origin: germline.
Comment: The p.I40V variant (also known as c.118A>G), located in coding exon 1 of the SMAD4 gene, results from an A to G substitution at nucleotide position 118. The isoleucine at codon 40 is replaced by valine, an amino acid with highly similar properties. This amino acid position is conserved. In addition, the in silico prediction for this alteration is inconclusive. Since supporting evidence is limited at this time, the clinical significance of this alteration remains unclear.